The following is an entry in ClinVar:

NC_000007.13:g.(?_151252200)_(151575316_?)dup

Gene: PRKAG2 (protein kinase AMP-activated non-catalytic subunit gamma 2; minus strand). Cytogenetic location: 7q36.1.
Variant type: Duplication.
Identifiers: ClinVar variation 1015844 (VCV001015844.2).

ClinVar aggregate classification (germline): Uncertain significance (1 of 4 stars; one submission).

Conditions:
Lethal congenital glycogen storage disease of heart. Also called: GLYCOGEN STORAGE DISEASE OF HEART; PHOSPHORYLASE KINASE DEFICIENCY OF HEART. Identifiers: Orphanet 439854, MedGen C1849813, MONDO:0009867, OMIM 261740.

Submission:

Labcorp Genetics (formerly Invitae), Labcorp
Classification: Uncertain significance for Lethal congenital glycogen storage disease of heart. Last evaluated: 2020-02-22. Review status: criteria provided, single submitter. Criteria: Invitae Variant Classification Sherloc (09022015). Collection method: clinical testing. Allele origin: germline.
Comment: This variant results in a copy number gain of the genomic region encompassing the full coding sequence of the PRKAG2 gene. The boundaries of this event are unknown as they extend beyond the assayed region for this gene and therefore may encompass additional genes. As the precise location of this event is unknown, it may be in tandem or it may be located elsewhere in the genome. This variant has not been reported in the literature in individuals with PRKAG2-related conditions. Experimental studies and prediction algorithms are not available or were not evaluated, and the functional significance of this variant is currently unknown. In summary, the available evidence is currently insufficient to determine the role of this variant in disease. Therefore, it has been classified as a Variant of Uncertain Significance.